The following is an entry in ClinVar:

ClinVar aggregate classification (germline): Uncertain significance (0 of 4 stars; one submission).

Conditions:
SEMA3B-related disorder. Also called: SEMA3B-related condition.

Submission:

PreventionGenetics, part of Exact Sciences
Classification: Uncertain significance for SEMA3B-related condition. Last evaluated: 2024-04-03. Review status: no assertion criteria provided. Collection method: clinical testing. Allele origin: germline.
Comment: The SEMA3B c.490G>A variant is predicted to result in the amino acid substitution p.Ala164Thr. To our knowledge, this variant has not been reported in the literature. This variant is reported in 0.021% of alleles in individuals of African descent in gnomAD. At this time, the clinical significance of this variant is uncertain due to the absence of conclusive functional and genetic evidence.

NM_001290060.2(SEMA3B):c.1519G>A (p.Ala507Thr)

Gene: SEMA3B (semaphorin 3B; plus strand). Cytogenetic location: 3p21.31.
Variant type: single nucleotide variant.
Coding change: c.1519G>A on transcript NM_001290060.2 (MANE Select); coding-DNA position 1519, G replaced by A.
Protein change: p.Ala507Thr; replaces alanine 507 with threonine.
Molecular consequence: missense variant.
Genome position (GRCh38, 1-based): chr3:50,275,329, G>A. VCF-style: chr3-50275329-G-A. GRCh37 (hg19) VCF-style: chr3-50312760-G-A.
Other names: c.1516G>A, p.Ala506Thr (NM_001005914.3); c.1534G>A, p.Ala512Thr (NM_001290061.1); c.490G>A, p.Ala164Thr (NM_001290062.2, NM_001290063.2); c.1519G>A, p.Ala507Thr (NM_004636.4); short protein forms A164T, A506T, A507T, A512T.
Identifiers: ClinVar variation 3352856 (VCV003352856.1).